The following is an entry in ClinVar:

NM_014851.4(KLHL21):c.590C>T (p.Ala197Val)

Genes: KLHL21 (kelch like family member 21; minus strand), LOC129929254 (ATAC-STARR-seq lymphoblastoid silent region 165; plus strand). Cytogenetic location: 1p36.31.
Variant type: single nucleotide variant.
Coding change: c.590C>T on transcript NM_014851.4 (MANE Select); coding-DNA position 590, C replaced by T.
Protein change: p.Ala197Val; replaces alanine 197 with valine.
Molecular consequence: missense variant.
Genome position (GRCh38, 1-based): chr1:6,602,228, G>A on the plus strand (C>T on the coding strand, the complement: KLHL21 is on the minus strand). VCF-style: chr1-6602228-G-A. GRCh37 (hg19) VCF-style: chr1-6662288-G-A.
Other names: c.590C>T, p.Ala197Val (NM_001324309.2); short protein forms A197V.
Identifiers: ClinVar variation 3041860 (VCV003041860.2), dbSNP rs369534954, ClinGen allele CA564464.

ClinVar aggregate classification (germline): Benign (0 of 4 stars; one submission).

Conditions:
KLHL21-related disorder. Also called: KLHL21-related condition.

Allele frequency attached by ClinVar (database versions not stated): gnomAD exomes 0.00053; gnomAD 0.00142; TOPMed 0.00156; ExAC 0.00256; 1000 Genomes Project 30x 0.00437; 1000 Genomes Project 0.00459.
gnomAD v4.1: 1,173 of 1,525,324 alleles (0.077%); highest among the groups gnomAD compares: East Asian, 1.8%; 27 homozygotes.

Submission:

PreventionGenetics, part of Exact Sciences
Classification: Benign for KLHL21-related condition. Last evaluated: 2019-08-26. Review status: no assertion criteria provided. Collection method: clinical testing. Allele origin: germline.
Comment: This variant is classified as benign based on ACMG/AMP sequence variant interpretation guidelines (Richards et al. 2015 PMID: 25741868, with internal and published modifications).